The following is an entry in ClinVar:

ClinVar aggregate classification (germline): Uncertain significance. Review status: criteria provided, multiple submitters, no conflicts (2 of 4 stars). 2 submissions from 2 submitters: Uncertain significance (2). Last evaluated 2025-08-01.

Conditions:
Hereditary cancer-predisposing syndrome. Also called: Neoplastic Syndromes, Hereditary; Tumor predisposition; Hereditary Cancer Syndrome; Hereditary neoplastic syndrome. Identifiers: Orphanet 140162, MedGen C0027672, MeSH D009386, MONDO:0015356.

gnomAD v4.1: 1 of 1,613,852 alleles (0.000062%); highest among the groups gnomAD compares: Non-Finnish European, 0.000085%; no homozygotes.

Submissions (2):

Ambry Genetics
Classification: Uncertain significance for Hereditary cancer-predisposing syndrome. Last evaluated: 2025-08-01. Review status: criteria provided, single submitter. Criteria: Ambry Variant Classification Scheme 2023. Collection method: clinical testing. Allele origin: germline.
Comment: The p.G2136R variant (also known as c.6406G>C), located in coding exon 46 of the POLE gene, results from a G to C substitution at nucleotide position 6406. The glycine at codon 2136 is replaced by arginine, an amino acid with dissimilar properties. This amino acid position is conserved. In addition, the in silico prediction for this alteration is inconclusive. Based on the available evidence, the clinical significance of this variant remains unclear.

Labcorp Genetics (formerly Invitae), Labcorp
Classification: Uncertain significance. Last evaluated: 2020-04-07. Review status: criteria provided, single submitter. Criteria: Invitae Variant Classification Sherloc (09022015). Collection method: clinical testing. Allele origin: germline.
Comment: In summary, the available evidence is currently insufficient to determine the role of this variant in disease. Therefore, it has been classified as a Variant of Uncertain Significance. Algorithms developed to predict the effect of missense changes on protein structure and function (SIFT, PolyPhen-2, Align-GVGD) all suggest that this variant is likely to be tolerated, but these predictions have not been confirmed by published functional studies and their clinical significance is uncertain. This variant has not been reported in the literature in individuals with POLE-related conditions. This sequence change replaces glycine with arginine at codon 2136 of the POLE protein (p.Gly2136Arg). The glycine residue is moderately conserved and there is a moderate physicochemical difference between glycine and arginine. This variant is not present in population databases (ExAC no frequency).

NM_006231.4(POLE):c.6406G>C (p.Gly2136Arg)

Gene: POLE (DNA polymerase epsilon, catalytic subunit; minus strand). Cytogenetic location: 12q24.33.
Variant type: single nucleotide variant.
Coding change: c.6406G>C on transcript NM_006231.4 (MANE Select); coding-DNA position 6406, G replaced by C.
Protein change: p.Gly2136Arg; replaces glycine 2136 with arginine.
Molecular consequence: missense variant.
Genome position (GRCh38, 1-based): chr12:132,626,242, C>G on the plus strand (G>C on the coding strand, the complement: POLE is on the minus strand). VCF-style: chr12-132626242-C-G. GRCh37 (hg19) VCF-style: chr12-133202828-C-G.
Other names: c.6406G>C (NM_006231.2); short protein forms G2136R.
Identifiers: ClinVar variation 1026346 (VCV001026346.9), dbSNP rs1368640639, ClinGen allele CA387367671.
Genomic context (GRCh38, chr12:132,626,242, plus strand): 5'-CCTCAGGAAGCACGTAGGAGCGGCAGGGGTCTCGGAACTGGGCCTCCTCGGAGAACTCGC[C>G]GACATCCACCAGGCGAAGCAGGTCTCGGTTCAGCTTATTCACCTGGTTTGTGATGTTGGT-3'
Protein context (NP_006222.2, residues 2126-2146): NRDLLRLVDV[Gly2136Arg]EFSEEAQFRD